The following is an entry in ClinVar:

NM_152564.5(VPS13B):c.7247+9T>C

Gene: VPS13B (vacuolar protein sorting 13 homolog B; plus strand). Cytogenetic location: 8q22.2.
Variant type: single nucleotide variant.
Coding change: c.7247+9T>C on transcript NM_152564.5 (MANE Select); 9 bases into the intron after coding-DNA position 7247, T replaced by C.
Molecular consequence: intron variant.
Genome position (GRCh38, 1-based): chr8:99,766,979, T>C. VCF-style: chr8-99766979-T-C. GRCh37 (hg19) VCF-style: chr8-100779207-T-C.
Other names: c.7322+9T>C (NM_017890.5); c.7247+9T>C (NM_152564.4).
Identifiers: ClinVar variation 437239 (VCV000437239.20), dbSNP rs545008110, ClinGen allele CA4824173.

ClinVar aggregate classification (germline): Conflicting classifications of pathogenicity. Review status: criteria provided, conflicting classifications (1 of 4 stars). 5 submissions from 5 submitters: Uncertain significance (1); Likely benign (2). 2 of the submissions do not count toward it. Last evaluated 2026-01-29.

Conditions:
VPS13B-related disorder. Also called: VPS13B-related condition.
Cohen syndrome (COH1). Also called: PEPPER SYNDROME; Cutis verticis gyrata, retinitis pigmentosa, and sensorineural deafness. Identifiers: Orphanet 193, MedGen C0265223, MONDO:0008999, OMIM 216550.

Allele frequency attached by ClinVar (database versions not stated): gnomAD 0.00001 and 0.00005; TOPMed 0.00001; gnomAD exomes 0.00003 and 0.00006; ExAC 0.00006; 1000 Genomes Project 30x 0.00031; 1000 Genomes Project 0.00040.
gnomAD v4.1: 51 of 1,612,826 alleles (0.0032%); highest among the groups gnomAD compares: South Asian, 0.037%; 1 homozygote.

Submissions (5):

Labcorp Genetics (formerly Invitae), Labcorp
Classification: Likely benign for Cohen syndrome. Last evaluated: 2026-01-29. Review status: criteria provided, single submitter. Criteria: Invitae Variant Classification Sherloc (09022015). Collection method: clinical testing. Allele origin: germline.

Blueprint Genetics
Classification: Likely benign. Last evaluated: 2022-09-02. Review status: criteria provided, single submitter. Criteria: ACMG Guidelines, 2015. Collection method: clinical testing. Allele origin: germline.

Genetic Services Laboratory, University of Chicago
Classification: Uncertain significance. Last evaluated: 2016-06-13. Review status: criteria provided, single submitter. Criteria: ACMG Guidelines, 2015. Collection method: clinical testing. Allele origin: germline. Affected: no.

PreventionGenetics, part of Exact Sciences
Classification: Likely benign for VPS13B-related condition. Last evaluated: 2024-04-16. Review status: no assertion criteria provided. Collection method: clinical testing. Allele origin: germline. Not counted in ClinVar's aggregate classification.
Comment: This variant is classified as likely benign based on ACMG/AMP sequence variant interpretation guidelines (Richards et al. 2015 PMID: 25741868, with internal and published modifications).

Natera, Inc.
Classification: Likely benign for Cohen syndrome. Last evaluated: 2021-03-13. Review status: no assertion criteria provided. Collection method: clinical testing. Allele origin: germline. Not counted in ClinVar's aggregate classification.